The following is an entry in ClinVar:

NM_025137.4(SPG11):c.6907C>T (p.His2303Tyr)

Gene: SPG11 (SPG11 vesicle trafficking associated, spatacsin; minus strand). Cytogenetic location: 15q21.1.
Variant type: single nucleotide variant.
Coding change: c.6907C>T on transcript NM_025137.4 (MANE Select); coding-DNA position 6907, C replaced by T.
Protein change: p.His2303Tyr; replaces histidine 2303 with tyrosine.
Molecular consequence: missense variant.
Genome position (GRCh38, 1-based): chr15:44,565,946, G>A on the plus strand (C>T on the coding strand, the complement: SPG11 is on the minus strand). VCF-style: chr15-44565946-G-A. GRCh37 (hg19) VCF-style: chr15-44858144-G-A.
Other names: c.6568C>T, p.His2190Tyr (NM_001160227.2); short protein forms H2190Y, H2303Y.
Identifiers: ClinVar variation 1423952 (VCV001423952.8), dbSNP rs777915558, ClinGen allele CA392213214.
Genomic context (GRCh38, chr15:44,565,946, plus strand): 5'-CCATCAGCTTGTGGCGGCCCAAGTTGATGAGCATTGTGTTCTGGCCAGTGTTCAGAAAGT[G>A]AATCTGCAGAGTTATCAACTTGGTGAGCCGCTGACAGTGCTGGGCCTGTCGCACACAGGA-3'
Protein context (NP_079413.3, residues 2293-2313): RLTKLITLQI[His2303Tyr]FLNTGQNTML

ClinVar aggregate classification (germline): Uncertain significance (1 of 4 stars; one submission).

Conditions:
Hereditary spastic paraplegia 11. Also called: Nakamura Osame syndrome; Autosomal recessive hereditary spastic paraplegia, mental impairment, and thin corpus callosum; Spastic Paraplegia 11; Spastic paraplegia, mental retardation and thin corpus callosum; SPASTIC PARAPLEGIA, AUTOSOMAL RECESSIVE, COMPLICATED, WITH THIN CORPUS CALLOSUM; SPASTIC PARAPLEGIA, AUTOSOMAL RECESSIVE, WITH MENTAL IMPAIRMENT AND THIN CORPUS CALLOSUM. Identifiers: Orphanet 2822, MedGen C1858479, MONDO:0011445, OMIM 604360.

Submission:

Labcorp Genetics (formerly Invitae), Labcorp
Classification: Uncertain significance for Hereditary spastic paraplegia 11. Last evaluated: 2021-04-30. Review status: criteria provided, single submitter. Criteria: Invitae Variant Classification Sherloc (09022015). Collection method: clinical testing. Allele origin: germline.
Comment: This variant has not been reported in the literature in individuals with SPG11-related conditions. This variant is not present in population databases (ExAC no frequency). This sequence change replaces histidine with tyrosine at codon 2303 of the SPG11 protein (p.His2303Tyr). The histidine residue is highly conserved and there is a moderate physicochemical difference between histidine and tyrosine. Algorithms developed to predict the effect of missense changes on protein structure and function are either unavailable or do not agree on the potential impact of this missense change (SIFT: "Tolerated"; PolyPhen-2: "Possibly Damaging"; Align-GVGD: "Class C0"). In summary, the available evidence is currently insufficient to determine the role of this variant in disease. Therefore, it has been classified as a Variant of Uncertain Significance.